The following is an entry in ClinVar:

ClinVar aggregate classification (germline): Benign/Likely benign. Review status: criteria provided, multiple submitters, no conflicts (2 of 4 stars). 2 submissions from 2 submitters: Benign (1); Likely benign (1). Last evaluated 2025-12-13.

Allele frequency attached by ClinVar (database versions not stated): ESP Exome Variant Server 0.00038; 1000 Genomes Project 30x 0.00125; 1000 Genomes Project 0.00140; gnomAD 0.00242.
gnomAD v4.1: 2,096 of 1,614,250 alleles (0.13%); highest among the groups gnomAD compares: South Asian, 0.026%; 24 homozygotes.

Submissions (2):

Labcorp Genetics (formerly Invitae), Labcorp
Classification: Benign. Last evaluated: 2025-12-13. Review status: criteria provided, single submitter. Criteria: Invitae Variant Classification Sherloc (09022015). Collection method: clinical testing. Allele origin: germline.

CeGaT Center for Human Genetics Tuebingen
Classification: Likely benign. Last evaluated: 2025-11-01. Review status: criteria provided, single submitter. Criteria: CeGaT Center For Human Genetics Tuebingen Variant Classification Criteria Version 2. Collection method: clinical testing. Allele origin: germline. Affected: yes. Observed: 1 variant allele.
Comment: AGT: BP4, BP7

NM_001384479.1(AGT):c.246C>T (p.Val82=)

Gene: AGT (angiotensinogen; minus strand). Cytogenetic location: 1q42.2.
Variant type: single nucleotide variant.
Coding change: c.246C>T on transcript NM_001384479.1 (MANE Select); coding-DNA position 246, C replaced by T.
Protein change: p.Val82=; no amino-acid change (valine 82 retained).
Molecular consequence: synonymous variant.
Genome position (GRCh38, 1-based): chr1:230,710,578, G>A on the plus strand (C>T on the coding strand, the complement: AGT is on the minus strand). VCF-style: chr1-230710578-G-A. GRCh37 (hg19) VCF-style: chr1-230846324-G-A.
Other names: c.246C>T, p.Val82= (NM_001382817.3).
Identifiers: ClinVar variation 2043711 (VCV002043711.10), dbSNP rs11568052, ClinGen allele CA1448342.